The following is an entry in ClinVar:

NM_020338.4(ZMIZ1):c.425+1G>A

Gene: ZMIZ1 (zinc finger MIZ-type containing 1; plus strand). Cytogenetic location: 10q22.3.
Variant type: single nucleotide variant.
Coding change: c.425+1G>A on transcript NM_020338.4 (MANE Select); the canonical splice donor site of the intron after coding-DNA position 425, G replaced by A.
Molecular consequence: splice donor variant.
Genome position (GRCh38, 1-based): chr10:79,277,326, G>A. VCF-style: chr10-79277326-G-A. GRCh37 (hg19) VCF-style: chr10-81037083-G-A.
Identifiers: ClinVar variation 1205213 (VCV001205213.3), dbSNP rs113863223, ClinGen allele CA210587571.
Genomic context (GRCh38, chr10:79,277,326, plus strand): 5'-ACTCCCCATGCAGCCCCCTCTCAGCTCCATGAGCTCCATGAAACCCACTCTGTCGCACAG[G>A]TAAGTGGGTGGGTGCCATGGGTGCAGGTACTGAGCAGACACCCCTCTGGTCTCAGATCTC-3'

ClinVar aggregate classification (germline): Likely pathogenic (1 of 4 stars; one submission).

Submission:

GeneDx
Classification: Likely pathogenic. Last evaluated: 2019-05-18. Review status: criteria provided, single submitter. Criteria: GeneDx Variant Classification Process June 2021. Collection method: clinical testing. Allele origin: germline. Affected: yes.
Comment: Canonical splice site variant in a gene for which loss-of-function is a known mechanism of disease; Not observed in large population cohorts (Lek et al., 2016); Has not been previously published as pathogenic or benign to our knowledge